The following is an entry in ClinVar:

ClinVar aggregate classification (germline): Conflicting classifications of pathogenicity. Review status: criteria provided, conflicting classifications (1 of 4 stars). 4 submissions from 4 submitters: Uncertain significance (3); Likely benign (1). Last evaluated 2025-12-26.

Conditions:
Arrhythmogenic right ventricular cardiomyopathy (ARVD). Also called: Cardiomyopathy, ARVC; Arrhythmogenic right ventricular dysplasia; Arrhythmogenic cardiomyopathy; Arrhythmogenic Right Ventricular Cardiomyopathy (ARVC). Identifiers: Orphanet 247, MedGen C0349788, MeSH D019571, MONDO:0016587. Disease mechanism: loss of function. Inheritance: Various modes of inheritance.
Cardiovascular phenotype. Identifiers: MedGen CN230736.
Cardiomyopathy (CMYO). Also called: Cardiomyopathies. Identifiers: Orphanet 167848, MedGen C0878544, MONDO:0004994, HP:0001638. Inheritance: Various modes of inheritance.
Arrhythmogenic right ventricular dysplasia 9 (ARVD9). Also called: Arrhythmogenic Right Ventricular Dysplasia/Cardiomyopathy 9; ARRHYTHMOGENIC RIGHT VENTRICULAR DYSPLASIA, FAMILIAL, 9. Identifiers: MedGen C1836906, MONDO:0012180, OMIM 609040.

Allele frequency attached by ClinVar (database versions not stated): gnomAD exomes below 0.00001; gnomAD 0.00001; TOPMed 0.00001.
gnomAD v4.1: 4 of 1,613,900 alleles (0.00025%); highest among the groups gnomAD compares: African/African-American, 0.0053%; no homozygotes.

Submissions (4):

Labcorp Genetics (formerly Invitae), Labcorp
Classification: Uncertain significance for Arrhythmogenic right ventricular dysplasia 9. Last evaluated: 2025-12-26. Review status: criteria provided, single submitter. Criteria: Invitae Variant Classification Sherloc (09022015). Collection method: clinical testing. Allele origin: germline.
Comment: This sequence change replaces serine, which is neutral and polar, with threonine, which is neutral and polar, at codon 293 of the PKP2 protein (p.Ser293Thr). This variant is present in population databases (no rsID available, gnomAD 0.008%). This variant has not been reported in the literature in individuals affected with PKP2-related conditions. ClinVar contains an entry for this variant (Variation ID: 1062879). An algorithm developed to predict the effect of missense changes on protein structure and function (PolyPhen-2) suggests that this variant is likely to be tolerated. In summary, the available evidence is currently insufficient to determine the role of this variant in disease. Therefore, it has been classified as a Variant of Uncertain Significance.

Color Diagnostics, LLC DBA Color Health
Classification: Likely benign for Cardiomyopathy. Last evaluated: 2025-08-20. Review status: criteria provided, single submitter. Criteria: ACMG Guidelines, 2015. Collection method: clinical testing. Allele origin: germline.

All of Us Research Program, National Institutes of Health
Classification: Uncertain significance for Arrhythmogenic right ventricular cardiomyopathy. Last evaluated: 2024-09-23. Review status: criteria provided, single submitter. Criteria: ACMG Guidelines, 2015. Collection method: clinical testing. Allele origin: germline. Inheritance: Autosomal dominant inheritance. Observed: 1 variant allele, 1 heterozygote.
Comment: This study involves interpretation of variants in research participants for the purpose of population health screening. Participant phenotype was not available at the time of variant classification. Additional details can be found in publication PMID: 35346344, PMCID: PMC8962531

Ambry Genetics
Classification: Uncertain significance for Cardiovascular phenotype. Last evaluated: 2023-04-20. Review status: criteria provided, single submitter. Criteria: Ambry Variant Classification Scheme 2023. Collection method: clinical testing. Allele origin: germline.
Comment: The p.S293T variant (also known as c.878G>C), located in coding exon 3 of the PKP2 gene, results from a G to C substitution at nucleotide position 878. The serine at codon 293 is replaced by threonine, an amino acid with similar properties. This amino acid position is conserved. In addition, this alteration is predicted to be tolerated by in silico analysis. Since supporting evidence is limited at this time, the clinical significance of this alteration remains unclear.

NM_001005242.3(PKP2):c.878G>C (p.Ser293Thr)

Gene: PKP2 (plakophilin 2; minus strand). Cytogenetic location: 12p11.21.
Variant type: single nucleotide variant.
Coding change: c.878G>C on transcript NM_001005242.3 (MANE Select); coding-DNA position 878, G replaced by C.
Protein change: p.Ser293Thr; replaces serine 293 with threonine.
Molecular consequence: missense variant.
Genome position (GRCh38, 1-based): chr12:32,878,002, C>G on the plus strand (G>C on the coding strand, the complement: PKP2 is on the minus strand). VCF-style: chr12-32878002-C-G. GRCh37 (hg19) VCF-style: chr12-33030936-C-G.
Other names: c.878G>C (NM_004572.3); c.878G>C, p.Ser293Thr (NM_004572.4); short protein forms S293T.
Identifiers: ClinVar variation 1062879 (VCV001062879.9), dbSNP rs1323074715, ClinGen allele CA384362111.